The following is an entry in ClinVar:

NM_002439.5(MSH3):c.1830G>C (p.Gln610His)

Gene: MSH3 (mutS homolog 3; plus strand). Cytogenetic location: 5q14.1.
Variant type: single nucleotide variant.
Coding change: c.1830G>C on transcript NM_002439.5 (MANE Select); coding-DNA position 1830, G replaced by C.
Protein change: p.Gln610His; replaces glutamine 610 with histidine.
Molecular consequence: missense variant.
Genome position (GRCh38, 1-based): chr5:80,761,612, G>C. VCF-style: chr5-80761612-G-C. GRCh37 (hg19) VCF-style: chr5-80057431-G-C.
Other names: short protein forms Q610H.
Identifiers: ClinVar variation 4824376 (VCV004824376.1).

ClinVar aggregate classification (germline): Uncertain significance (1 of 4 stars; one submission).

Conditions:
Hereditary cancer-predisposing syndrome. Also called: Neoplastic Syndromes, Hereditary; Hereditary neoplastic syndrome; Tumor predisposition; Hereditary Cancer Syndrome. Identifiers: Orphanet 140162, MedGen C0027672, MeSH D009386, MONDO:0015356.

Submission:

Ambry Genetics
Classification: Uncertain significance for Hereditary cancer-predisposing syndrome. Last evaluated: 2026-02-11. Review status: criteria provided, single submitter. Criteria: Ambry Variant Classification Scheme 2023. Collection method: clinical testing. Allele origin: germline.
Comment: The p.Q610H variant (also known as c.1830G>C), located in coding exon 13 of the MSH3 gene, results from a G to C substitution at nucleotide position 1830. The glutamine at codon 610 is replaced by histidine, an amino acid with highly similar properties. This amino acid position is not well conserved in available vertebrate species. In addition, this alteration is predicted to be tolerated by in silico analysis. Based on the available evidence, the clinical significance of this variant remains unclear.